The following is an entry in ClinVar:

ClinVar aggregate classification (germline): Conflicting classifications of pathogenicity. Review status: criteria provided, conflicting classifications (1 of 4 stars). 4 submissions from 4 submitters: Uncertain significance (2); Likely benign (2). Last evaluated 2026-08-11.

Conditions:
Hereditary cancer-predisposing syndrome. Also called: Hereditary Cancer Syndrome; Neoplastic Syndromes, Hereditary; Hereditary neoplastic syndrome; Tumor predisposition. Identifiers: Orphanet 140162, MedGen C0027672, MeSH D009386, MONDO:0015356.
Hereditary breast ovarian cancer syndrome. Also called: Breast and ovarian cancer; Hereditary breast and ovarian cancer syndrome; Hereditary breast and ovarian cancer syndrome (HBOC); Hereditary breast and ovarian cancer; Hereditary breast and/or ovarian cancer syndrome; BRCA1- and BRCA2-Associated Hereditary Breast and Ovarian Cancer. Identifiers: Orphanet 145, MedGen C0677776, MeSH D061325, MONDO:0003582. Disease mechanism: loss of function.

Submissions (4):

Ambry Genetics
Classification: Uncertain significance for Hereditary cancer-predisposing syndrome. Last evaluated: 2026-08-11. Review status: criteria provided, single submitter. Criteria: Ambry Variant Classification Scheme 2023. Collection method: clinical testing. Allele origin: germline.
Comment: The p.D390N variant (also known as c.1168G>A), located in coding exon 9 of the BRCA1 gene, results from a G to A substitution at nucleotide position 1168. The aspartic acid at codon 390 is replaced by asparagine, an amino acid with highly similar properties. This amino acid position is not well conserved in available vertebrate species. In addition, the in silico prediction for this alteration is inconclusive. Based on the available evidence, the clinical significance of this variant remains unclear.

Labcorp Genetics (formerly Invitae), Labcorp
Classification: Uncertain significance for Hereditary breast ovarian cancer syndrome. Last evaluated: 2025-04-23. Review status: criteria provided, single submitter. Criteria: Invitae Variant Classification Sherloc (09022015). Collection method: clinical testing. Allele origin: germline.
Comment: This sequence change replaces aspartic acid, which is acidic and polar, with asparagine, which is neutral and polar, at codon 390 of the BRCA1 protein (p.Asp390Asn). This variant is not present in population databases (gnomAD no frequency). This variant has not been reported in the literature in individuals affected with BRCA1-related conditions. ClinVar contains an entry for this variant (Variation ID: 1325667). Invitae Evidence Modeling of protein sequence and biophysical properties (such as structural, functional, and spatial information, amino acid conservation, physicochemical variation, residue mobility, and thermodynamic stability) indicates that this missense variant is not expected to disrupt BRCA1 protein function with a negative predictive value of 80%. In summary, the available evidence is currently insufficient to determine the role of this variant in disease. Therefore, it has been classified as a Variant of Uncertain Significance.

University of Washington Department of Laboratory Medicine, University of Washington
Classification: Likely benign for Hereditary cancer-predisposing syndrome. Last evaluated: 2023-03-23. Review status: criteria provided, single submitter. Criteria: Dines et al. (Genet Med. 2020). Collection method: curation. Allele origin: germline.
Comment: Missense variant in a coldspot region where missense variants are very unlikely to be pathogenic (PMID:31911673).

BRCA1 coldspot (exon 11 using historical exon numbering). Reclassification based on statistical prior probability

National Health Laboratory Service, Universitas Academic Hospital and University of the Free State
Classification: Likely benign for Hereditary breast ovarian cancer syndrome. Last evaluated: 2021-11-16. Review status: criteria provided, single submitter. Criteria: ACMG Guidelines, 2015. Collection method: clinical testing. Allele origin: germline. Affected: yes. Observed: 1 variant allele.

Literature cited by the submitters: DOI 10.3389/fgene.2022.834265 (cited by National Health Laboratory Service, Universitas Academic Hospital and University of the Free State).

NM_007294.4(BRCA1):c.1168G>A (p.Asp390Asn)

Gene: BRCA1 (BRCA1 DNA repair associated; minus strand). Cytogenetic location: 17q21.31.
Variant type: single nucleotide variant.
Coding change: c.1168G>A on transcript NM_007294.4 (MANE Select); coding-DNA position 1168, G replaced by A.
Protein change: p.Asp390Asn; replaces aspartic acid 390 with asparagine.
Molecular consequence: missense variant. On other transcripts: intron variant (137).
Genome position (GRCh38, 1-based): chr17:43,094,363, C>T on the plus strand (G>A on the coding strand, the complement: BRCA1 is on the minus strand). VCF-style: chr17-43094363-C-T. GRCh37 (hg19) VCF-style: chr17-41246380-C-T.
Other names: NP_009225.1:p.Asp390Asn; c.955G>A, p.Asp319Asn (NM_001407571.1, NM_001407853.1, NM_001407894.1 and 9 more transcripts); c.1168G>A, p.Asp390Asn (NM_001407581.1, NM_001407582.1, NM_001407583.1 and 30 more transcripts); c.1165G>A, p.Asp389Asn (NM_001407587.1, NM_001407590.1, NM_001407591.1 and 22 more transcripts); c.1159G>A, p.Asp387Asn (NM_001407646.1, NM_001407647.1); c.1045G>A, p.Asp349Asn (NM_001407648.1, NM_001407664.1, NM_001407665.1 and 19 more transcripts); c.1087G>A, p.Asp363Asn (NM_001407661.1, NM_001407662.1, NM_001407659.1 and 1 more transcripts); c.1090G>A, p.Asp364Asn (NM_001407663.1, NM_001407653.1, NM_001407654.1 and 4 more transcripts); and 41 more; short protein forms D343N, D390N, D301N, D319N, D320N, D342N, D348N, D387N.
Identifiers: ClinVar variation 1325667 (VCV001325667.8), dbSNP rs2154472475, ClinGen allele CA10599716.